The following is an entry in ClinVar:

NM_004612.4(TGFBR1):c.1091C>G (p.Thr364Ser)

Gene: TGFBR1 (transforming growth factor beta receptor 1; plus strand). Cytogenetic location: 9q22.33.
Variant type: single nucleotide variant.
Coding change: c.1091C>G on transcript NM_004612.4 (MANE Select); coding-DNA position 1091, C replaced by G.
Protein change: p.Thr364Ser; replaces threonine 364 with serine.
Molecular consequence: missense variant.
Genome position (GRCh38, 1-based): chr9:99,144,849, C>G. VCF-style: chr9-99144849-C-G. GRCh37 (hg19) VCF-style: chr9-101907131-C-G.
Other names: c.860C>G, p.Thr287Ser (NM_001130916.3); c.1103C>G, p.Thr368Ser (NM_001306210.2); short protein forms T364S, T287S, T368S.
Identifiers: ClinVar variation 927276 (VCV000927276.21), dbSNP rs201050937, ClinGen allele CA043850.

ClinVar aggregate classification (germline): Conflicting classifications of pathogenicity. Review status: criteria provided, conflicting classifications (1 of 4 stars). 7 submissions from 7 submitters: Uncertain significance (6); Likely benign (1). Last evaluated 2025-11-17.

Conditions:
Familial thoracic aortic aneurysm and aortic dissection (TAAD). Also called: Thoracic aortic aneurysms and dissections. Identifiers: Orphanet 91387, MedGen C4707243, MONDO:0019625.
Multiple self-healing squamous epithelioma (MSSE). Also called: MULTIPLE SELF-HEALING SQUAMOUS EPITHELIOMA, SUSCEPTIBILITY TO. Identifiers: Orphanet 65748, MedGen C0546476, MONDO:0007566, OMIM 132800.
Loeys-Dietz syndrome 1 (LDS1). Also called: FURLONG SYNDROME; AORTIC ANEURYSM, FAMILIAL THORACIC 5; TGFBR1-Related Loeys-Dietz Syndrome. Identifiers: Orphanet 60030, MedGen C4551955, MONDO:0012212, OMIM 609192.
Loeys-Dietz syndrome (LDS). Identifiers: Orphanet 60030, MedGen C2697932, MONDO:0018954.

Allele frequency attached by ClinVar (database versions not stated): gnomAD exomes below 0.00001 and 0.00003; ExAC 0.00001; TOPMed 0.00002; gnomAD 0.00004.
gnomAD v4.1: 56 of 1,613,874 alleles (0.0035%); highest among the groups gnomAD compares: Non-Finnish European, 0.0046%; no homozygotes.

Submissions (7):

Color Diagnostics, LLC DBA Color Health
Classification: Uncertain significance for Familial thoracic aortic aneurysm and aortic dissection. Last evaluated: 2025-11-17. Review status: criteria provided, single submitter. Criteria: ACMG Guidelines, 2015. Collection method: clinical testing. Allele origin: germline.
Comment: This missense variant replaces threonine with serine at codon 364 of the TGFBR1 protein. Computational prediction suggests that this variant may not impact protein structure and function. To our knowledge, functional studies have not been reported for this variant. This variant has not been reported in individuals affected with TGFBR1-related disorders in the literature. This variant has been identified in 4/282550 chromosomes in the general population by the Genome Aggregation Database (gnomAD). The available evidence is insufficient to determine the role of this variant in disease conclusively. Therefore, this variant is classified as a Variant of Uncertain Significance.

Women's Health and Genetics/Laboratory Corporation of America, LabCorp
Classification: Uncertain significance. Last evaluated: 2025-10-13. Review status: criteria provided, single submitter. Criteria: LabCorp Variant Classification Summary - May 2015. Collection method: clinical testing. Allele origin: germline.

Labcorp Genetics (formerly Invitae), Labcorp
Classification: Likely benign for Familial thoracic aortic aneurysm and aortic dissection. Last evaluated: 2025-09-30. Review status: criteria provided, single submitter. Criteria: Invitae Variant Classification Sherloc (09022015). Collection method: clinical testing. Allele origin: germline.

Ambry Genetics
Classification: Uncertain significance for Familial thoracic aortic aneurysm and aortic dissection. Last evaluated: 2024-12-28. Review status: criteria provided, single submitter. Criteria: Ambry Variant Classification Scheme 2023. Collection method: clinical testing. Allele origin: germline.
Comment: The p.T364S variant (also known as c.1091C>G), located in coding exon 6 of the TGFBR1 gene, results from a C to G substitution at nucleotide position 1091. The threonine at codon 364 is replaced by serine, an amino acid with similar properties. This amino acid position is conserved. In addition, the in silico prediction for this alteration is inconclusive. Based on the available evidence, the clinical significance of this variant remains unclear.

All of Us Research Program, National Institutes of Health
Classification: Uncertain significance for Loeys-Dietz syndrome. Last evaluated: 2023-11-20. Review status: criteria provided, single submitter. Criteria: ACMG Guidelines, 2015. Collection method: clinical testing. Allele origin: germline. Inheritance: Autosomal dominant inheritance. Observed: 6 variant alleles, 6 heterozygotes.
Comment: This missense variant replaces threonine with serine at codon 364 of the TGFBR1 protein. Computational prediction suggests that this variant may not impact protein structure and function (internally defined REVEL score threshold <= 0.5, PMID: 27666373). To our knowledge, functional studies have not been reported for this variant. This variant has not been reported in individuals affected with TGFBR1-related disorders in the literature. This variant has been identified in 4/282550 chromosomes in the general population by the Genome Aggregation Database (gnomAD). The available evidence is insufficient to determine the role of this variant in disease conclusively. Therefore, this variant is classified as a Variant of Uncertain Significance.

This study involves interpretation of variants in research participants for the purpose of population health screening. Participant phenotype was not available at the time of variant classification. Additional details can be found in publication PMID: 35346344, PMCID: PMC8962531

GeneDx
Classification: Uncertain significance. Last evaluated: 2023-11-03. Review status: criteria provided, single submitter. Criteria: GeneDx Variant Classification Process June 2021. Collection method: clinical testing. Allele origin: germline. Affected: yes.
Comment: Not observed at a significant frequency in large population cohorts (gnomAD); In silico analysis supports that this missense variant does not alter protein structure/function; Has not been previously published as pathogenic or benign to our knowledge

Fulgent Genetics
Classification: Uncertain significance for Multiple self-healing squamous epithelioma; Loeys-Dietz syndrome 1. Last evaluated: 2021-08-17. Review status: criteria provided, single submitter. Criteria: ACMG Guidelines, 2015. Collection method: clinical testing. Allele origin: unknown.